The following is an entry in ClinVar:

NM_006908.5(RAC1):c.116A>G (p.Asn39Ser)

Gene: RAC1 (Rac family small GTPase 1; plus strand). Cytogenetic location: 7p22.1.
Variant type: single nucleotide variant.
Coding change: c.116A>G on transcript NM_006908.5 (MANE Select); coding-DNA position 116, A replaced by G.
Protein change: p.Asn39Ser; replaces asparagine 39 with serine.
Molecular consequence: missense variant.
Genome position (GRCh38, 1-based): chr7:6,391,932, A>G. VCF-style: chr7-6391932-A-G. GRCh37 (hg19) VCF-style: chr7-6431563-A-G.
Other names: c.116A>G (NM_018890.3); c.116A>G, p.Asn39Ser (NM_018890.4); short protein forms N39S.
Identifiers: ClinVar variation 445281 (VCV000445281.10), dbSNP rs1554263624, ClinGen allele CA366760717.

ClinVar aggregate classification (germline): Pathogenic/Likely pathogenic. Review status: criteria provided, multiple submitters, no conflicts (2 of 4 stars). 6 submissions from 6 submitters: Pathogenic (3); Likely pathogenic (1). 2 of the submissions do not count toward it. Last evaluated 2025-04-22.

Conditions:
Intellectual developmental disorder, autosomal dominant 48. Also called: MENTAL RETARDATION, AUTOSOMAL DOMINANT 48; Intellectual disability, autosomal dominant 48. Identifiers: Orphanet 500159, MedGen C4540321, MONDO:0030913, OMIM 617751.
Inborn genetic diseases. Identifiers: MedGen C0950123, MeSH D030342.
Global developmental delay (DD). Also called: Cognitive delay. Identifiers: MedGen C0557874, HP:0001263. Disease mechanism: loss of function.
Neurodevelopmental delay. Identifiers: MedGen C4022738, HP:0012758.

Submissions (6):

Ambry Genetics
Classification: Pathogenic for Inborn genetic diseases. Last evaluated: 2025-04-22. Review status: criteria provided, single submitter. Criteria: Ambry Variant Classification Scheme 2023. Collection method: clinical testing. Allele origin: germline.
Comment: The c.116A>G (p.N39S) alteration is located in exon 3 (coding exon 3) of the RAC1 gene. This alteration results from an A to G substitution at nucleotide position 116, causing the asparagine (N) at amino acid position 39 to be replaced by a serine (S). This variant was not reported in population-based cohorts in the Genome Aggregation Database (gnomAD). This variant was determined to be de novo in at least one individual with features consistent with RAC1-related neurodevelopmental disorder (Reijnders, 2017; DECIPHER). This amino acid position is highly conserved in available vertebrate species. This missense alteration is located in a region that has a low rate of benign missense variation (Lek, 2016; Firth, 2009). Mouse fibroblast spreading assays and in vivo overexpression assays using zebrafish demonstrated that the variant functions as a dominant-negative allele and results in microcephaly and reduced neuronal proliferation (Reijnders, 2017). This alteration is predicted to be tolerated by in silico analysis. Based on the available evidence, this alteration is classified as pathogenic.

GeneDx
Classification: Pathogenic. Last evaluated: 2024-09-07. Review status: criteria provided, single submitter. Criteria: GeneDx Variant Classification Process June 2021. Collection method: clinical testing. Allele origin: germline.
Comment: Published functional studies demonstrate microcephaly, reduced neuronal proliferation, and cerebellar abnormalities in Zebrafish studies and substrate adhesion-dependent cell spreading in mouse fibroblasts indicating a dominant negative effect (PMID: 28886345); Not observed at significant frequency in large population cohorts (gnomAD); In silico analysis supports that this missense variant has a deleterious effect on protein structure/function; This variant is associated with the following publications: (PMID: 33302361, 33397633, 28886345, 27479843, 31646703, 33057194, 35982159)

Cytogénomique, Hospices Civils de Lyon
Classification: Likely pathogenic for Global developmental delay. Last evaluated: 2019-11-01. Review status: criteria provided, single submitter. Criteria: ACMG Guidelines, 2015. Collection method: clinical testing. Allele origin: de novo. Affected: yes.

Centre de Biologie Pathologie Génétique, Centre Hospitalier Universitaire de Lille
Classification: Pathogenic for Neurodevelopmental delay. Review status: criteria provided, single submitter. Criteria: ACMG Guidelines, 2015. Collection method: clinical testing. Allele origin: de novo. Affected: yes.

OMIM
Classification: Pathogenic for INTELLECTUAL DEVELOPMENTAL DISORDER, AUTOSOMAL DOMINANT 48. Last evaluated: 2022-12-09. Review status: no assertion criteria provided. Collection method: literature only. Allele origin: germline. Not counted in ClinVar's aggregate classification.

Clinical Genetics Laboratory, University Hospital Schleswig-Holstein
Classification: Pathogenic for Intellectual developmental disorder, autosomal dominant 48. Last evaluated: 2021-05-20. Review status: no assertion criteria provided. Collection method: clinical testing. Allele origin: germline. Affected: yes. Not counted in ClinVar's aggregate classification.

Literature cited by the submitters: PubMed 28886345 (cited by Ambry Genetics and OMIM).